The following is an entry in ClinVar:

ClinVar aggregate classification (germline): Likely pathogenic (1 of 4 stars; one submission).

Conditions:
Dilated cardiomyopathy 1G (CMD1G). Identifiers: Orphanet 154, MedGen C1858763, MONDO:0011400, OMIM 604145.
Autosomal recessive limb-girdle muscular dystrophy type 2J (LGMDR10). Also called: Limb-girdle muscular dystrophy, type 2J; MUSCULAR DYSTROPHY, LIMB-GIRDLE, AUTOSOMAL RECESSIVE 10. Identifiers: Orphanet 140922, MedGen C1837342, MONDO:0012127, OMIM 608807.

Allele frequency attached by ClinVar (database versions not stated): TOPMed below 0.00001; gnomAD 0.00001.

Submission:

Labcorp Genetics (formerly Invitae), Labcorp
Classification: Likely pathogenic for Dilated cardiomyopathy 1G; Autosomal recessive limb-girdle muscular dystrophy type 2J. Last evaluated: 2023-06-23. Review status: criteria provided, single submitter. Criteria: Invitae Variant Classification Sherloc (09022015). Collection method: clinical testing. Allele origin: germline.
Comment: This variant has not been reported in the literature in individuals affected with TTN-related conditions. This sequence change creates a premature translational stop signal (p.Lys17329Argfs*14) in the TTN gene. While this is not anticipated to result in nonsense mediated decay, it is expected to create a truncated TTN protein. This variant is not present in population databases (gnomAD no frequency). ClinVar contains an entry for this variant (Variation ID: 642239). This variant is located in the A band of TTN (PMID: 25589632). Truncating variants in this region are significantly overrepresented in patients affected with dilated cardiomyopathy (PMID: 25589632). Truncating variants in this region have also been reported in individuals affected with autosomal recessive centronuclear myopathy (PMID: 23975875). In summary, the currently available evidence indicates that the variant is pathogenic, but additional data are needed to prove that conclusively. Therefore, this variant has been classified as Likely Pathogenic.

Literature cited by the submitters: PubMed 25589632; PubMed 23975875.

NM_001267550.2(TTN):c.51986_51987del (p.Lys17329fs)

Genes: TTN (titin; minus strand), TTN-AS1 (TTN antisense RNA 1; plus strand). Cytogenetic location: 2q31.2.
Variant type: Deletion.
Coding change: c.51986_51987del on transcript NM_001267550.2 (MANE Select); coding-DNA positions 51986 to 51987, 2 bases deleted (AG; older notation c.51986_51987delAG).
Protein change: p.Lys17329fs; shifts the reading frame from lysine 17329.
Molecular consequence: frameshift variant.
Genome position (GRCh38, 1-based): chr2:178,609,323-178,609,324, CT deleted on the plus strand (AG on the coding strand, the reverse complement: TTN is on the minus strand). VCF-style (leftmost placement, unchanged base first): chr2-178609322-CCT-C. GRCh37 (hg19) VCF-style: chr2-179474049-CCT-C.
Other names: c.47063_47064del, p.Lys15688fs (NM_001256850.1); c.24791_24792del, p.Lys8264fs (NM_003319.4); c.44282_44283del, p.Lys14761fs (NM_133378.4); c.25166_25167del, p.Lys8389fs (NM_133432.3); c.25367_25368del, p.Lys8456fs (NM_133437.4); c.51986_51987delAG (NM_001267550.2); short protein forms K17329fs, K8264fs, K8389fs, K14761fs, K15688fs, K8456fs.
Identifiers: ClinVar variation 642239 (VCV000642239.9), dbSNP rs1195974666, ClinGen allele CA761292174.